The following is an entry in ClinVar:

NM_016507.4(CDK12):c.3587C>T (p.Thr1196Ile)

Gene: CDK12 (cyclin dependent kinase 12; plus strand). Cytogenetic location: 17q12.
Variant type: single nucleotide variant.
Coding change: c.3587C>T on transcript NM_016507.4 (MANE Select); coding-DNA position 3587, C replaced by T.
Protein change: p.Thr1196Ile; replaces threonine 1196 with isoleucine.
Molecular consequence: missense variant.
Genome position (GRCh38, 1-based): chr17:39,526,143, C>T. VCF-style: chr17-39526143-C-T. GRCh37 (hg19) VCF-style: chr17-37682396-C-T.
Other names: c.3587C>T, p.Thr1196Ile (NM_015083.4); short protein forms T1196I.
Identifiers: ClinVar variation 3999475 (VCV003999475.1).

ClinVar aggregate classification (germline): Uncertain significance (1 of 4 stars; one submission).

Submission:

Ambry Genetics
Classification: Uncertain significance. Last evaluated: 2025-05-19. Review status: criteria provided, single submitter. Criteria: Ambry Variant Classification Scheme 2023. Collection method: clinical testing. Allele origin: germline.
Comment: The p.T1196I variant (also known as c.3587C>T), located in coding exon 13 of the CDK12 gene, results from a C to T substitution at nucleotide position 3587. The threonine at codon 1196 is replaced by isoleucine, an amino acid with similar properties. This amino acid position is conserved. In addition, this alteration is predicted to be tolerated by in silico analysis. Based on the available evidence, the clinical significance of this variant remains unclear.